The following is an entry in ClinVar:

ClinVar aggregate classification (germline): Likely benign (1 of 4 stars; one submission).

Allele frequency attached by ClinVar (database versions not stated): 1000 Genomes Project 30x 0.00016; 1000 Genomes Project 0.00020; ESP Exome Variant Server 0.00032.
gnomAD v4.1: 1,345 of 1,613,862 alleles (0.083%); highest among the groups gnomAD compares: Non-Finnish European, 0.11%; 2 homozygotes.

Submission:

CeGaT Center for Human Genetics Tuebingen
Classification: Likely benign. Last evaluated: 2025-04-01. Review status: criteria provided, single submitter. Criteria: CeGaT Center For Human Genetics Tuebingen Variant Classification Criteria Version 2. Collection method: clinical testing. Allele origin: germline. Affected: yes. Observed: 4 variant alleles.
Comment: INTS1: BP4, BP7

NM_001080453.3(INTS1):c.1392C>T (p.Thr464=)

Gene: INTS1 (integrator complex subunit 1; minus strand). Cytogenetic location: 7p22.3.
Variant type: single nucleotide variant.
Coding change: c.1392C>T on transcript NM_001080453.3 (MANE Select); coding-DNA position 1392, C replaced by T.
Protein change: p.Thr464=; no amino-acid change (threonine 464 retained).
Molecular consequence: synonymous variant.
Genome position (GRCh38, 1-based): chr7:1,498,445, G>A on the plus strand (C>T on the coding strand, the complement: INTS1 is on the minus strand). VCF-style: chr7-1498445-G-A. GRCh37 (hg19) VCF-style: chr7-1538081-G-A.
Identifiers: ClinVar variation 2657213 (VCV002657213.24), dbSNP rs201662739, ClinGen allele CA4120350.